The following is an entry in ClinVar:

NM_000264.5(PTCH1):c.324A>G (p.Ile108Met)

Gene: PTCH1 (patched 1; minus strand). Cytogenetic location: 9q22.32.
Variant type: single nucleotide variant.
Coding change: c.324A>G on transcript NM_000264.5 (MANE Select); coding-DNA position 324, A replaced by G.
Protein change: p.Ile108Met; replaces isoleucine 108 with methionine.
Molecular consequence: missense variant. On other transcripts: 5 prime UTR variant (4), non-coding transcript variant (1).
Genome position (GRCh38, 1-based): chr9:95,506,477, T>C on the plus strand (A>G on the coding strand, the complement: PTCH1 is on the minus strand). VCF-style: chr9-95506477-T-C. GRCh37 (hg19) VCF-style: chr9-98268759-T-C.
Other names: c.126A>G, p.Ile42Met (NM_001083602.3, NM_001354919.2); c.321A>G, p.Ile107Met (NM_001083603.3); c.-130A>G (NM_001083604.3, NM_001083605.3, NM_001083606.3 and 1 more transcripts); c.324A>G, p.Ile108Met (NM_001354918.2); short protein forms I108M, I42M, I107M.
Identifiers: ClinVar variation 188114 (VCV000188114.66), dbSNP rs144182921, ClinGen allele CA334074.

ClinVar aggregate classification (germline): Conflicting classifications of pathogenicity. Review status: criteria provided, conflicting classifications (1 of 4 stars). 10 submissions from 9 submitters: Uncertain significance (1); Likely benign (8). 1 of the submissions does not count toward it. Last evaluated 2026-07-01.

Conditions:
Hereditary cancer-predisposing syndrome. Also called: Hereditary neoplastic syndrome; Tumor predisposition; Neoplastic Syndromes, Hereditary; Hereditary Cancer Syndrome. Identifiers: Orphanet 140162, MedGen C0027672, MeSH D009386, MONDO:0015356.
Gorlin syndrome. Also called: Nevoid Basal Cell Carcinoma Syndrome; Basal cell nevus syndrome. Identifiers: Orphanet 377, MedGen C0004779, MONDO:0007187.
Holoprosencephaly 7 (HPE7). Identifiers: Orphanet 2162, MedGen C1835820, MONDO:0012562, OMIM 610828.
PTCH1-related disorder. Also called: PTCH1-related disorders; PTCH1-related condition.

Allele frequency attached by ClinVar (database versions not stated): gnomAD exomes 0.00008 and 0.00016; ExAC 0.00009; gnomAD 0.00009 and 0.00010; TOPMed 0.00009; ESP Exome Variant Server 0.00015.
gnomAD v4.1: 261 of 1,613,260 alleles (0.016%); highest among the groups gnomAD compares: Non-Finnish European, 0.019%; 1 homozygote.

Submissions (10):

CeGaT Center for Human Genetics Tuebingen
Classification: Likely benign. Last evaluated: 2026-07-01. Review status: criteria provided, single submitter. Criteria: CeGaT Center For Human Genetics Tuebingen Variant Classification Criteria Version 2. Collection method: clinical testing. Allele origin: germline. Affected: yes. Observed: 2 variant alleles.
Comment: PTCH1: PP3, BS1

Labcorp Genetics (formerly Invitae), Labcorp
Classification: Likely benign for Gorlin syndrome. Last evaluated: 2026-02-03. Review status: criteria provided, single submitter. Criteria: Invitae Variant Classification Sherloc (09022015). Collection method: clinical testing. Allele origin: germline.

PreventionGenetics, part of Exact Sciences
Classification: Likely benign for PTCH1-related condition. Last evaluated: 2025-04-17. Review status: criteria provided, single submitter. Criteria: ACMG Guidelines, 2015. Collection method: clinical testing. Allele origin: germline.
Comment: This variant is classified as likely benign based on ACMG/AMP sequence variant interpretation guidelines (Richards et al. 2015 PMID: 25741868, with internal and published modifications).

Women's Health and Genetics/Laboratory Corporation of America, LabCorp
Classification: Likely benign. Last evaluated: 2023-08-21. Review status: criteria provided, single submitter. Criteria: LabCorp Variant Classification Summary - May 2015. Collection method: clinical testing. Allele origin: germline.
Comment: Variant summary: PTCH1 c.324A>G (p.Ile108Met) results in a conservative amino acid change in the encoded protein sequence. Three of five in-silico tools predict a damaging effect of the variant on protein function. The variant allele was found at a frequency of 8.4e-05 in 250768 control chromosomes (gnomAD). The observed variant frequency is approximately 5-fold of the estimated maximal expected allele frequency for a pathogenic variant in PTCH1 causing Nevoid Basal Cell Carcinoma Syndrome (Gorlin Syndrome) phenotype (1.7e-05), strongly suggesting that the variant is benign. c.324A>G has been reported in the literature in an individual affected with Kallmann Syndrome without signs of Gorlin Syndrome (Barraud_2020). This report does not provide unequivocal conclusions about association of the variant with Nevoid Basal Cell Carcinoma Syndrome (Gorlin Syndrome). To our knowledge, no experimental evidence demonstrating an impact on protein function has been reported. The following publication has been ascertained in the context of this evaluation (PMID: 32074614). Seven submitters have cited clinical-significance assessments for this variant to ClinVar after 2014, and classified it as likely benign (n=5) or uncertain significance (n=2). Based on the evidence outlined above, the variant was classified as likely benign.

Quest Diagnostics Nichols Institute San Juan Capistrano
Classification: Likely benign. Last evaluated: 2021-05-14. Review status: criteria provided, single submitter. Criteria: Quest Diagnostics criteria. Collection method: clinical testing. Allele origin: unknown.

Sema4
Classification: Likely benign for Hereditary cancer-predisposing syndrome. Last evaluated: 2020-07-31. Review status: criteria provided, single submitter. Criteria: Sema4 Curation Guidelines. Collection method: curation. Allele origin: germline.

Ambry Genetics
Classification: Likely benign for Hereditary cancer-predisposing syndrome. Last evaluated: 2018-05-31. Review status: criteria provided, single submitter. Criteria: Ambry Variant Classification Scheme 2023. Collection method: clinical testing. Allele origin: germline.

Illumina Laboratory Services, Illumina
Classification: Uncertain significance for Holoprosencephaly 7. Last evaluated: 2017-04-27. Review status: criteria provided, single submitter. Criteria: ICSL Variant Classification Criteria 13 December 2019. Collection method: clinical testing. Allele origin: germline.

Illumina Laboratory Services, Illumina
Classification: Likely benign for Basal cell nevus syndrome 1. Last evaluated: 2017-04-27. Review status: criteria provided, single submitter. Criteria: ICSL Variant Classification Criteria 13 December 2019. Collection method: clinical testing. Allele origin: germline.
Comment: This variant was observed as part of a predisposition screen in an ostensibly healthy population. A literature search was performed for the gene, cDNA change, and amino acid change (where applicable). No publications were found based on this search. Allele frequency data from public databases allowed determination this variant is unlikely to cause disease. Therefore, this variant is classified as likely benign.

Department of Pathology and Laboratory Medicine, Sinai Health System
Classification: Uncertain significance. Review status: no assertion criteria provided. Collection method: clinical testing. Allele origin: unknown. Affected: yes. Study: The Canadian Open Genetics Repository (COGR). Not counted in ClinVar's aggregate classification.
Comment: The PTCH1 p.Ile108Met variant was not identified in the literature nor was it identified in Cosmic, MutDB or LOVD 3.0. The variant was identified in dbSNP (ID: rs144182921) and in ClinVar (classified as uncertain significance by Invitae for Gorlin syndrome, likely benign for hereditary cancer-predisposing syndrome by Ambry Genetics and as uncertain significance by Praxis fuer Humangenetik Tuebingen). The variant was identified in control databases in 25 of 282050 chromosomes at a frequency of 0.000089 (Genome Aggregation Database Feb 27, 2017). The variant was observed in the following populations: European (Non-Finnish) in 21 of 128822 chromosomes (freq: 0.000163) and European (Finnish) in 4 of 25104 chromosomes (freq: 0.000159); it was not observed in the African, Latino, Ashkenazi Jewish, East Asian, Other and South Asian populations. The p.Ile108 residue is conserved in mammals but not in more distantly related organisms and computational analyses (PolyPhen-2, SIFT, AlignGVGD, BLOSUM, and MutationTaster) provide inconsistent predictions regarding the impact to the protein; this information is not very predictive of pathogenicity. In summary, based on the above information the clinical significance of this variant cannot be determined with certainty at this time. This variant is classified as a variant of uncertain significance.

Literature cited by the submitters: PubMed 32074614 (cited by Women's Health and Genetics/Laboratory Corporation of America, LabCorp and Quest Diagnostics Nichols Institute San Juan Capistrano).